The following is an entry in ClinVar:

ClinVar aggregate classification (germline): Uncertain significance (1 of 4 stars; one submission).

Allele frequency attached by ClinVar (database versions not stated): TOPMed below 0.00001.

Submission:

Women's Health and Genetics/Laboratory Corporation of America, LabCorp
Classification: Uncertain significance. Last evaluated: 2024-04-25. Review status: criteria provided, single submitter. Criteria: LabCorp Variant Classification Summary - May 2015. Collection method: clinical testing. Allele origin: germline.
Comment: Variant summary: GRIA3 c.1010C>G (p.Ala337Gly) results in a non-conservative amino acid change located in the Receptor, ligand binding region (IPR001828) of the encoded protein sequence. Three of five in-silico tools predict a damaging effect of the variant on protein function. The variant allele was found at a frequency of 5.5e-06 in 182814 control chromosomes (gnomAD). The available data on variant occurrences in the general population are insufficient to allow any conclusion about variant significance. To our knowledge, no occurrence of c.1010C>G in individuals affected with Syndromic X-Linked Intellectual Disability 94 and no experimental evidence demonstrating its impact on protein function have been reported. No submitters have cited clinical-significance assessments for this variant to ClinVar. Based on the evidence outlined above, the variant was classified as uncertain significance.

NM_007325.5(GRIA3):c.1010C>G (p.Ala337Gly)

Gene: GRIA3 (glutamate ionotropic receptor AMPA type subunit 3; plus strand). Cytogenetic location: Xq25.
Variant type: single nucleotide variant.
Coding change: c.1010C>G on transcript NM_007325.5 (MANE Select); coding-DNA position 1010, C replaced by G.
Protein change: p.Ala337Gly; replaces alanine 337 with glycine.
Molecular consequence: missense variant.
Genome position (GRCh38, 1-based): chrX:123,398,733, C>G. VCF-style: chrX-123398733-C-G. GRCh37 (hg19) VCF-style: chrX-122532584-C-G.
Other names: c.1010C>G, p.Ala337Gly (NM_000828.5); short protein forms A337G.
Identifiers: ClinVar variation 3251703 (VCV003251703.1), dbSNP rs1477001534.